The following is an entry in ClinVar:

NM_000284.4(PDHA1):c.985_998dup (p.Glu333fs)

Gene: PDHA1 (pyruvate dehydrogenase E1 subunit alpha 1; plus strand). Cytogenetic location: Xp22.12.
Variant type: Duplication.
Coding change: c.985_998dup on transcript NM_000284.4 (MANE Select); coding-DNA positions 985 to 998, 14 bases duplicated (CTTGCCAGTGTGGA).
Protein change: p.Glu333fs; shifts the reading frame from glutamic acid 333.
Molecular consequence: frameshift variant.
Genome position (GRCh38, 1-based): chrX:19,359,001-19,359,014, CTTGCCAGTGTGGA duplicated. VCF-style (leftmost placement, unchanged base first): chrX-19359000-T-TCTTGCCAGTGTGGA. GRCh37 (hg19) VCF-style: chrX-19377118-T-TCTTGCCAGTGTGGA.
Other names: c.985_998dup (NM_000284.3); c.1099_1112dup, p.Glu371fs (NM_001173454.2); c.1006_1019dup, p.Glu340fs (NM_001173455.2); c.892_905dup, p.Glu302fs (NM_001173456.2); c.985_998dupCTTGCCAGTGTGGA (NM_000284.3); short protein forms E302fs, E333fs, E371fs, E340fs.
Identifiers: ClinVar variation 214949 (VCV000214949.3), dbSNP rs863224157, ClinGen allele CA324481.

ClinVar aggregate classification (germline): Pathogenic. Review status: criteria provided, single submitter (1 of 4 stars). 2 submissions from 2 submitters: Pathogenic (1). 1 of the submissions does not count toward it. Last evaluated 2016-06-14.

Conditions:
Pyruvate dehydrogenase E1-alpha deficiency (PDHAD). Also called: ATAXIA, INTERMITTENT, WITH PYRUVATE DEHYDROGENASE DEFICIENCY; ATAXIA WITH LACTIC ACIDOSIS I; ATAXIA, INTERMITTENT, WITH ABNORMAL PYRUVATE METABOLISM; Ataxia, intermittent, with pyruvate dehydrogenase, or decarboxylase, deficiency. Identifiers: Orphanet 79243, MedGen C1839413, MONDO:0010717, OMIM 312170.

Submissions (2):

GeneDx
Classification: Pathogenic. Last evaluated: 2016-06-14. Review status: criteria provided, single submitter. Criteria: GeneDx Variant Classification (06012015). Collection method: clinical testing. Allele origin: germline. Affected: yes.
Comment: c.985_998dup14:p.Glu333AspfsX8 in exon 10 in the PDHA1 Gene (NM_000284.3). The normal sequence with the bases that are inserted in braces is: CAAT{CTTGCCAGTGTGGA}AGAA. The c.985_998dup14 pathogenic variant in the PDHA1 gene has not been reported previously as a disease-causing mutation nor as a benign polymorphism, to our knowledge. The c.985_998dup14 mutation causes a frameshift starting with codon Glutamic acid 333 changes this amino acid to an Aspartic acid residue and creates a premature Stop codon at position 8 of the new reading frame, denoted p.E333DfsX8. This pathogenic variant is predicted to cause loss of normal protein function through protein truncation. The c.985_998dup14 pathogenic variant was not observed in approximately 6500 individuals of European and African American ancestry in the NHLBI Exome Sequencing Project, indicating it is not a common benign variant in these populations. We interpret c.985_998dup14 as a disease-causing pathogenic variant. This variant is found in the PDHA1 panel(s).

PDHA1 Study Group, University Children’s Hospital, Paracelsus Medical University
Classification: Pathogenic for Pyruvate dehydrogenase E1-alpha deficiency. Last evaluated: 2024-10-15. Review status: no assertion criteria provided. Collection method: research. Allele origin: de novo. Affected: yes. Observed: 1 variant allele. Not counted in ClinVar's aggregate classification.
Comment: The NM_000284.3:c.985_998dup (p.Glu333AspfsTer8) change is a frameshift variant in PDHA1 gene. This variant is predicted to escape nonsense-mediated decay (NMD). Among them, 1 case had confirmed de novo occurrence. Last literature search: July 12, 2024. This variant is absent or extremely rare in population-based cohorts in the Genome Aggregation Database (gnomAD). Individuals harboring this variant presented with clinical features compatible with PDHA1-related PDHc deficiency. In summary, this variant meets criteria to be classified as pathogenic (P) for PDHA1-related PDHc deficiency based on the ACMG/AMP criteria applied: PVS1, PS2, PS3, PM2, PM7 (last assessment October 15, 2024).

Literature cited by the submitters: DOI 10.1093/brain/awaf430 (cited by PDHA1 Study Group, University Children’s Hospital, Paracelsus Medical University).